The following is an entry in ClinVar:

NM_181703.4(GJA5):c.913G>A (p.Glu305Lys)

Gene: GJA5 (gap junction protein alpha 5; minus strand). Cytogenetic location: 1q21.2.
Variant type: single nucleotide variant.
Coding change: c.913G>A on transcript NM_181703.4 (MANE Select); coding-DNA position 913, G replaced by A.
Protein change: p.Glu305Lys; replaces glutamic acid 305 with lysine.
Molecular consequence: missense variant.
Genome position (GRCh38, 1-based): chr1:147,758,326, C>T on the plus strand (G>A on the coding strand, the complement: GJA5 is on the minus strand). VCF-style: chr1-147758326-C-T. GRCh37 (hg19) VCF-style: chr1-147230434-C-T.
Other names: c.913G>A, p.Glu305Lys (NM_005266.7); short protein forms E305K.
Identifiers: ClinVar variation 2117646 (VCV002117646.4), dbSNP rs782422906, ClinGen allele CA1065680.

ClinVar aggregate classification (germline): Uncertain significance (1 of 4 stars; one submission).

Conditions:
Atrial standstill 1 (ATRST1). Also called: ATRIAL CARDIOMYOPATHY WITH HEART BLOCK; CARDIOMYOPATHY, FAMILIAL, WITH CONDUCTION DISTURBANCE; Atrial standstill, digenic (GJA5/SCN5A). Identifiers: Orphanet 1344, MedGen C4551959, MONDO:0007171, OMIM 108770.
Atrial fibrillation, familial, 11 (ATFB11). Identifiers: MedGen C3279693, MONDO:0013544, OMIM 614049.

Allele frequency attached by ClinVar (database versions not stated): ExAC 0.00001; gnomAD exomes 0.00001.
gnomAD v4.1: 3 of 1,614,166 alleles (0.00019%); highest among the groups gnomAD compares: East Asian, 0.0045%; no homozygotes.

Submission:

Labcorp Genetics (formerly Invitae), Labcorp
Classification: Uncertain significance for Atrial fibrillation, familial, 11; Atrial standstill 1. Last evaluated: 2022-03-26. Review status: criteria provided, single submitter. Criteria: Invitae Variant Classification Sherloc (09022015). Collection method: clinical testing. Allele origin: germline.
Comment: In summary, the available evidence is currently insufficient to determine the role of this variant in disease. Therefore, it has been classified as a Variant of Uncertain Significance. Algorithms developed to predict the effect of missense changes on protein structure and function are either unavailable or do not agree on the potential impact of this missense change (SIFT: "Not Available"; PolyPhen-2: "Benign"; Align-GVGD: "Not Available"). This variant has not been reported in the literature in individuals affected with GJA5-related conditions. This variant is present in population databases (rs782422906, gnomAD 0.01%). This sequence change replaces glutamic acid, which is acidic and polar, with lysine, which is basic and polar, at codon 305 of the GJA5 protein (p.Glu305Lys).